The following is an entry in ClinVar:

NM_170682.4(P2RX2):c.1114G>T (p.Val372Phe)

Gene: P2RX2 (purinergic receptor P2X 2; plus strand). Cytogenetic location: 12q24.33.
Variant type: single nucleotide variant.
Coding change: c.1114G>T on transcript NM_170682.4 (MANE Select); coding-DNA position 1114, G replaced by T.
Protein change: p.Val372Phe; replaces valine 372 with phenylalanine.
Molecular consequence: missense variant. On other transcripts: 3 prime UTR variant (1).
Genome position (GRCh38, 1-based): chr12:132,621,670, G>T. VCF-style: chr12-132621670-G-T. GRCh37 (hg19) VCF-style: chr12-133198256-G-T.
Other names: c.1012G>T, p.Val338Phe (NM_001282164.2); c.*161G>T (NM_001282165.2); c.898G>T, p.Val300Phe (NM_012226.5); c.1042G>T, p.Val348Phe (NM_016318.4); c.1192G>T, p.Val398Phe (NM_170683.4); c.838G>T, p.Val280Phe (NM_174872.3); c.1114G>T, p.Val372Phe (NM_174873.3); short protein forms V398F, V300F, V372F, V338F, V280F, V348F.
Identifiers: ClinVar variation 1422327 (VCV001422327.8), dbSNP rs1213601122, ClinGen allele CA387363157.

ClinVar aggregate classification (germline): Uncertain significance (1 of 4 stars; one submission).

Allele frequency attached by ClinVar (database versions not stated): gnomAD exomes below 0.00001.
gnomAD v4.1: 4 of 1,613,734 alleles (0.00025%); highest among the groups gnomAD compares: South Asian, 0.0011%; no homozygotes.

Submission:

Labcorp Genetics (formerly Invitae), Labcorp
Classification: Uncertain significance. Last evaluated: 2023-10-09. Review status: criteria provided, single submitter. Criteria: Invitae Variant Classification Sherloc (09022015). Collection method: clinical testing. Allele origin: germline.
Comment: This sequence change replaces valine, which is neutral and non-polar, with phenylalanine, which is neutral and non-polar, at codon 372 of the P2RX2 protein (p.Val372Phe). This variant is present in population databases (no rsID available, gnomAD 0.0009%). This variant has not been reported in the literature in individuals affected with P2RX2-related conditions. ClinVar contains an entry for this variant (Variation ID: 1422327). Advanced modeling of protein sequence and biophysical properties (such as structural, functional, and spatial information, amino acid conservation, physicochemical variation, residue mobility, and thermodynamic stability) performed at Invitae indicates that this missense variant is not expected to disrupt P2RX2 protein function. In summary, the available evidence is currently insufficient to determine the role of this variant in disease. Therefore, it has been classified as a Variant of Uncertain Significance.